The following is an entry in ClinVar:

NM_004380.3(CREBBP):c.4285G>T (p.Val1429Leu)

Gene: CREBBP (CREB binding protein; minus strand). Cytogenetic location: 16p13.3.
Variant type: single nucleotide variant.
Coding change: c.4285G>T on transcript NM_004380.3 (MANE Select); coding-DNA position 4285, G replaced by T.
Protein change: p.Val1429Leu; replaces valine 1429 with leucine.
Molecular consequence: missense variant.
Genome position (GRCh38, 1-based): chr16:3,738,668, C>A on the plus strand (G>T on the coding strand, the complement: CREBBP is on the minus strand). VCF-style: chr16-3738668-C-A. GRCh37 (hg19) VCF-style: chr16-3788669-C-A.
Other names: c.4171G>T, p.Val1391Leu (NM_001079846.1); short protein forms V1391L, V1429L.
Identifiers: ClinVar variation 1313911 (VCV001313911.2), dbSNP rs2151334580, ClinGen allele CA394564629.
Genomic context (GRCh38, chr16:3,738,668, plus strand): 5'-CGGCTGTGCGGAGGCAACGTGGCCGGAAGAAATGAATACTATCCAGATAAGAAATGTACA[C>A]ACGCCTGTGGGAAGGAGGCACATGTTTAACTCAGGGTATCCCTCAAATCTGAAATCAAAC-3'
Protein context (NP_004371.2, residues 1419-1439): SDCPPPNTRR[Val1429Leu]YISYLDSIHF

ClinVar aggregate classification (germline): Uncertain significance (1 of 4 stars; one submission).

Submission:

GeneDx
Classification: Uncertain significance. Last evaluated: 2021-01-12. Review status: criteria provided, single submitter. Criteria: GeneDx Variant Classification Process June 2021. Collection method: clinical testing. Allele origin: germline. Affected: yes.
Comment: Not observed in large population cohorts (Lek et al., 2016); In silico analysis supports that this missense variant has a deleterious effect on protein structure/function; Has not been previously published as pathogenic or benign to our knowledge